The following is an entry in ClinVar:

NM_001267550.2(TTN):c.68945C>T (p.Ser22982Phe)

Genes: TTN (titin; minus strand), TTN-AS1 (TTN antisense RNA 1; plus strand). Cytogenetic location: 2q31.2.
Variant type: single nucleotide variant.
Coding change: c.68945C>T on transcript NM_001267550.2 (MANE Select); coding-DNA position 68945, C replaced by T.
Protein change: p.Ser22982Phe; replaces serine 22982 with phenylalanine.
Molecular consequence: missense variant.
Genome position (GRCh38, 1-based): chr2:178,577,390, G>A on the plus strand (C>T on the coding strand, the complement: TTN is on the minus strand). VCF-style: chr2-178577390-G-A. GRCh37 (hg19) VCF-style: chr2-179442117-G-A.
Other names: c.64022C>T, p.Ser21341Phe (NM_001256850.1); c.41750C>T, p.Ser13917Phe (NM_003319.4); c.61241C>T, p.Ser20414Phe (NM_133378.4); c.42125C>T, p.Ser14042Phe (NM_133432.3); c.42326C>T, p.Ser14109Phe (NM_133437.4); short protein forms S13917F, S14042F, S14109F, S20414F, S21341F, S22982F.
Identifiers: ClinVar variation 3895271 (VCV003895271.1), dbSNP rs372665902.

ClinVar aggregate classification (germline): Likely benign (1 of 4 stars; one submission).

gnomAD v4.1: 24 of 1,612,378 alleles (0.0015%); highest among the groups gnomAD compares: Non-Finnish European, 0.002%; no homozygotes.

Submission:

Molecular Diagnostic Laboratory for Inherited Cardiovascular Disease, Montreal Heart Institute
Classification: Likely benign. Last evaluated: 2025-04-09. Review status: criteria provided, single submitter. Criteria: ACMG Guidelines, 2015. Collection method: clinical testing. Allele origin: germline. Affected: no.
Comment: BP1